The following is an entry in ClinVar:

ClinVar aggregate classification (germline): Uncertain significance (1 of 4 stars; one submission).

Submission:

Women's Health and Genetics/Laboratory Corporation of America, LabCorp
Classification: Uncertain significance. Last evaluated: 2025-05-23. Review status: criteria provided, single submitter. Criteria: LabCorp Variant Classification Summary - May 2015. Collection method: clinical testing. Allele origin: germline.
Comment: Variant summary: MED12L c.1010C>G (p.Pro337Arg) results in a non-conservative amino acid change in the encoded protein sequence. Algorithms developed to predict the effect of missense changes on protein structure and function are either unavailable or do not agree on the potential impact of this missense change. The variant was absent in 251426 control chromosomes. The available data on variant occurrences in the general population are insufficient to allow any conclusion about variant significance. To our knowledge, no occurrence of c.1010C>G in individuals affected with Nizon-Isidor Syndrome and no experimental evidence demonstrating its impact on protein function have been reported. No submitters have cited clinical-significance assessments for this variant to ClinVar. Based on the evidence outlined above, the variant was classified as uncertain significance.

NM_001393769.1(MED12L):c.1010C>G (p.Pro337Arg)

Gene: MED12L (mediator complex subunit 12L; plus strand). Cytogenetic location: 3q25.1.
Variant type: single nucleotide variant.
Coding change: c.1010C>G on transcript NM_001393769.1 (MANE Select); coding-DNA position 1010, C replaced by G.
Protein change: p.Pro337Arg; replaces proline 337 with arginine.
Molecular consequence: missense variant.
Genome position (GRCh38, 1-based): chr3:151,160,004, C>G. VCF-style: chr3-151160004-C-G. GRCh37 (hg19) VCF-style: chr3-150877791-C-G.
Other names: c.1010C>G, p.Pro337Arg (NM_053002.6); short protein forms P337R.
Identifiers: ClinVar variation 3902718 (VCV003902718.1).